The following is an entry in ClinVar:

ClinVar aggregate classification (germline): Benign/Likely benign. Review status: criteria provided, multiple submitters, no conflicts (2 of 4 stars). 3 submissions from 3 submitters: Benign (1); Likely benign (2). Last evaluated 2025-02-04.

Conditions:
Cardiovascular phenotype. Identifiers: MedGen CN230736.
Spinocerebellar ataxia type 19/22 (SCA19). Also called: SPINOCEREBELLAR ATAXIA 22; SPINOCEREBELLAR ATAXIA 19. Identifiers: Orphanet 98772, MedGen C1846367, MONDO:0011819, OMIM 607346.

Allele frequency attached by ClinVar (database versions not stated): gnomAD exomes 0.00004 and 0.00022; ExAC 0.00004; 1000 Genomes Project 0.00040; TOPMed 0.00005; 1000 Genomes Project 30x 0.00031.
gnomAD v4.1: 319 of 1,614,064 alleles (0.02%); highest among the groups gnomAD compares: East Asian, 0.68%; 9 homozygotes.

Submissions (3):

Athena Diagnostics
Classification: Benign. Last evaluated: 2025-02-04. Review status: criteria provided, single submitter. Criteria: Athena Diagnostics Criteria. Collection method: clinical testing. Allele origin: unknown.
Comment: The frequency of this variant in the general population is higher than would generally be expected for pathogenic variants in this gene. Computational tools yielded predictions that this variant is unlikely to have an effect on normal RNA splicing. This nucleotide position exhibits low evolutionary conservation.

Labcorp Genetics (formerly Invitae), Labcorp
Classification: Likely benign for Spinocerebellar ataxia type 19/22. Last evaluated: 2024-09-14. Review status: criteria provided, single submitter. Criteria: Invitae Variant Classification Sherloc (09022015). Collection method: clinical testing. Allele origin: germline.

Ambry Genetics
Classification: Likely benign for Cardiovascular phenotype. Last evaluated: 2023-12-12. Review status: criteria provided, single submitter. Criteria: Ambry Variant Classification Scheme 2023. Collection method: clinical testing. Allele origin: germline.

NM_001378969.1(KCND3):c.519C>T (p.Phe173=)

Gene: KCND3 (potassium voltage-gated channel subfamily D member 3; minus strand). Cytogenetic location: 1p13.2.
Variant type: single nucleotide variant.
Coding change: c.519C>T on transcript NM_001378969.1 (MANE Select); coding-DNA position 519, C replaced by T.
Protein change: p.Phe173=; no amino-acid change (phenylalanine 173 retained).
Molecular consequence: synonymous variant.
Genome position (GRCh38, 1-based): chr1:111,982,208, G>A on the plus strand (C>T on the coding strand, the complement: KCND3 is on the minus strand). VCF-style: chr1-111982208-G-A. GRCh37 (hg19) VCF-style: chr1-112524830-G-A.
Other names: c.519C>T, p.Phe173= (NM_001378970.1, NM_004980.5, NM_172198.3).
Identifiers: ClinVar variation 697110 (VCV000697110.11), dbSNP rs144600384, ClinGen allele CA1007590.